The following is an entry in ClinVar:

ClinVar aggregate classification (germline): Uncertain significance (1 of 4 stars; one submission).

Conditions:
Joubert syndrome. Also called: Familial aplasia of the vermis; CEREBELLOPARENCHYMAL DISORDER IV; JOUBERT-BOLTSHAUSER SYNDROME. Identifiers: Orphanet 475, MedGen C5979921, MONDO:0018772.
Meckel-Gruber syndrome. Also called: Dysencephalia splachnocystica; DYSENCEPHALIA SPLANCHNOCYSTICA; GRUBER SYNDROME. Identifiers: Orphanet 564, MedGen C0265215, MONDO:0018921.
Nephronophthisis. Also called: Juvenile Nephronophthisis. Identifiers: Orphanet 655, MedGen C0687120, MONDO:0019005, HP:0000090.

gnomAD v4.1: 1 of 1,521,234 alleles (0.000066%); highest among the groups gnomAD compares: South Asian, 0.0014%; no homozygotes.

Submission:

Labcorp Genetics (formerly Invitae), Labcorp
Classification: Uncertain significance for Joubert syndrome; Meckel-Gruber syndrome; Nephronophthisis. Last evaluated: 2021-09-01. Review status: criteria provided, single submitter. Criteria: Invitae Variant Classification Sherloc (09022015). Collection method: clinical testing. Allele origin: germline.
Comment: This sequence change replaces lysine with glutamic acid at codon 1336 of the CEP290 protein (p.Lys1336Glu). The lysine residue is highly conserved and there is a small physicochemical difference between lysine and glutamic acid. This variant is not present in population databases (ExAC no frequency). This variant has not been reported in the literature in individuals affected with CEP290-related conditions. Algorithms developed to predict the effect of missense changes on protein structure and function are either unavailable or do not agree on the potential impact of this missense change (SIFT: "Deleterious"; PolyPhen-2: "Possibly Damaging"; Align-GVGD: "Class C0"). In summary, the available evidence is currently insufficient to determine the role of this variant in disease. Therefore, it has been classified as a Variant of Uncertain Significance.

NM_025114.4(CEP290):c.4006A>G (p.Lys1336Glu)

Gene: CEP290 (centrosomal protein 290; minus strand). Cytogenetic location: 12q21.32.
Variant type: single nucleotide variant.
Coding change: c.4006A>G on transcript NM_025114.4 (MANE Select); coding-DNA position 4006, A replaced by G.
Protein change: p.Lys1336Glu; replaces lysine 1336 with glutamic acid.
Molecular consequence: missense variant.
Genome position (GRCh38, 1-based): chr12:88,089,055, T>C on the plus strand (A>G on the coding strand, the complement: CEP290 is on the minus strand). VCF-style: chr12-88089055-T-C. GRCh37 (hg19) VCF-style: chr12-88482832-T-C.
Other names: short protein forms K1336E.
Identifiers: ClinVar variation 999958 (VCV000999958.8), dbSNP rs2036809812, ClinGen allele CA386000087.
Genomic context (GRCh38, chr12:88,089,055, plus strand): 5'-TGTCTCTTAAAAAAAAAAATCAAGTTTAAATGTTTACCTTTTGGGCTCCTTTGGTATCCT[T>C]TAAAGTGCTTATTAACTCTTCCAGGCCCTTTAATTTTAATTCCATCTCCAATGTTTTGTT-3'
Protein context (NP_079390.3, residues 1326-1346): KGLEELISTL[Lys1336Glu]DTKGAQKVIN